The following is an entry in ClinVar:

ClinVar aggregate classification (germline): Pathogenic (3 of 4 stars; one submission).

Conditions:
Phenylketonuria (PKU). Also called: FOLLING DISEASE; Phenylketonuria (PKU); OLIGOPHRENIA PHENYLPYRUVICA; Phenylketonurias. Identifiers: Orphanet 716, MedGen C0031485, MONDO:0009861, OMIM 261600. Disease mechanism: loss of function.

Submission:

ClinGen PAH Variant Curation Expert Panel
Classification: Pathogenic for Phenylketonuria. Last evaluated: 2019-04-03. Review status: reviewed by expert panel. Criteria: ClinGen PAH ACMG Specifications v1. Collection method: curation. Allele origin: germline. Inheritance: Autosomal recessive inheritance.
Comment: The variant is a frameshift variant occurring in exon 3 of 13 in the in the canonical transcript of PAH, a gene fulfilling the most recent criteria for LOF being a known disease mechanism (see PMID: 30192042) (PVS1). It is absent from control databases including ethnically matched individuals, including gnomAD/ExAC, 1000 Genomes, and ESP (PM2). In summary, this variant meets criteria to be classified as pathogenic for PAH. PAH-specific ACMG/AMP criteria applied: PVS1, PM2, PP4.

Literature cited by the submitters: PubMed 26503515.

NM_000277.3(PAH):c.171_172del (p.Glu57_Asn58insTer)

Gene: PAH (phenylalanine hydroxylase; minus strand). Cytogenetic location: 12q23.2.
Variant type: Microsatellite.
Coding change: c.171_172del on transcript NM_000277.3 (MANE Select); coding-DNA positions 171 to 172, 2 bases deleted (GA; older notation c.171_172delGA).
Protein change: p.Glu57_Asn58insTer.
Molecular consequence: frameshift variant.
Genome position (GRCh38, 1-based): chr12:102,894,915-102,894,916, TC deleted on the plus strand (GA on the coding strand, the reverse complement: PAH is on the minus strand); deleting any 2 consecutive bases within chr12:102,894,915-102,894,918 gives the same sequence; the c. name uses the placement nearest the transcript's 3' end. VCF-style (leftmost placement, unchanged base first): chr12-102894914-TTC-T. GRCh37 (hg19) VCF-style: chr12-103288692-TTC-T.
Other names: c.171_172del, p.Glu57_Asn58insTer (NM_001354304.2).
Identifiers: ClinVar variation 805810 (VCV000805810.1), dbSNP rs1592979013, ClinGen allele CA16020735.